The following is an entry in ClinVar:

NM_000626.4(CD79B):c.14C>T (p.Ala5Val)

Genes: CD79B (CD79b molecule; minus strand), GH-LCR (growth hormone locus control region; plus strand). Cytogenetic location: 17q23.3.
Variant type: single nucleotide variant.
Coding change: c.14C>T on transcript NM_000626.4 (MANE Select); coding-DNA position 14, C replaced by T.
Protein change: p.Ala5Val; replaces alanine 5 with valine.
Molecular consequence: missense variant.
Genome position (GRCh38, 1-based): chr17:63,932,248, G>A on the plus strand (C>T on the coding strand, the complement: CD79B is on the minus strand). VCF-style: chr17-63932248-G-A. GRCh37 (hg19) VCF-style: chr17-62009608-G-A.
Other names: c.14C>T, p.Ala5Val (NM_001039933.3, NM_001329050.2, NM_021602.4); short protein forms A5V.
Identifiers: ClinVar variation 935788 (VCV000935788.40), dbSNP rs748240443, ClinGen allele CA8708698.
Genomic context (GRCh38, chr17:63,932,248, plus strand): 5'-TCTGTACCTGAGAGCAGCAGCAGCAACGCCACCATCCAGTGGCTGGGCACAGGAGACAAC[G>A]CCAGCCTGGCCATGGTCACCGCTCTGTCCCCGACCCCAAACCCGTGACAACGTCCGAGGC-3'
Protein context (NP_000617.1, residues 1-15): MARL[Ala5Val]LSPVPSHWMV

ClinVar aggregate classification (germline): Uncertain significance. Review status: criteria provided, multiple submitters, no conflicts (2 of 4 stars). 2 submissions from 2 submitters: Uncertain significance (2). Last evaluated 2022-03-15.

Conditions:
Agammaglobulinemia 6, autosomal recessive (AGM6). Also called: AGAMMAGLOBULINEMIA 6; AGAMMAGLOBULINEMIA, AUTOSOMAL RECESSIVE, DUE TO CD79B DEFECT. Identifiers: MedGen C3150207, MONDO:0012987, OMIM 612692.

Allele frequency attached by ClinVar (database versions not stated): gnomAD 0.00001; gnomAD exomes 0.00001 and 0.00002; TOPMed 0.00001; ExAC 0.00002.
gnomAD v4.1: 16 of 1,612,418 alleles (0.00099%); highest among the groups gnomAD compares: Middle Eastern, 0.033%; no homozygotes.

Submissions (2):

Labcorp Genetics (formerly Invitae), Labcorp
Classification: Uncertain significance for Agammaglobulinemia 6, autosomal recessive. Last evaluated: 2022-03-15. Review status: criteria provided, single submitter. Criteria: Invitae Variant Classification Sherloc (09022015). Collection method: clinical testing. Allele origin: germline.
Comment: This sequence change replaces alanine, which is neutral and non-polar, with valine, which is neutral and non-polar, at codon 5 of the CD79B protein (p.Ala5Val). This variant is present in population databases (rs748240443, gnomAD 0.003%). This variant has not been reported in the literature in individuals affected with CD79B-related conditions. ClinVar contains an entry for this variant (Variation ID: 935788). Algorithms developed to predict the effect of missense changes on protein structure and function output the following: SIFT: "Not Available"; PolyPhen-2: "Benign"; Align-GVGD: "Not Available". The valine amino acid residue is found in multiple mammalian species, which suggests that this missense change does not adversely affect protein function. In summary, the available evidence is currently insufficient to determine the role of this variant in disease. Therefore, it has been classified as a Variant of Uncertain Significance.

CeGaT Center for Human Genetics Tuebingen
Classification: Uncertain significance. Last evaluated: 2021-02-01. Review status: criteria provided, single submitter. Criteria: CeGaT Center For Human Genetics Tuebingen Variant Classification Criteria Version 2. Collection method: clinical testing. Allele origin: germline. Affected: yes. Observed: 1 variant allele.